The following is an entry in ClinVar:

ClinVar aggregate classification (germline): Likely pathogenic (1 of 4 stars; one submission).

Conditions:
Bruck syndrome 2 (BRKS2). Also called: OSTEOGENESIS IMPERFECTA WITH CONGENITAL JOINT CONTRACTURES. Identifiers: Orphanet 2771, MedGen C1836602, MONDO:0012217, OMIM 609220.

Submission:

3billion
Classification: Likely pathogenic for Bruck syndrome 2. Last evaluated: 2023-08-25. Review status: criteria provided, single submitter. Criteria: ACMG Guidelines, 2015. Collection method: clinical testing. Allele origin: germline. Affected: yes.
Comment: The variant is observed at an extremely low frequency in the gnomAD v2.1.1 dataset (total allele frequency: 0.000%). Predicted Consequence/Location: Frameshift: predicted to result in a loss or disruption of normal protein function through nonsense-mediated decay (NMD) or protein truncation. Multiple pathogenic variants are reported downstream of the variant. Therefore, this variant is classified as Likely pathogenic according to the recommendation of ACMG/AMP guideline.

NM_182943.3(PLOD2):c.900dup (p.Gly301fs)

Gene: PLOD2 (procollagen-lysine,2-oxoglutarate 5-dioxygenase 2; minus strand). Cytogenetic location: 3q24.
Variant type: Duplication.
Coding change: c.900dup on transcript NM_182943.3 (MANE Select); coding-DNA position 900, one base duplicated (A; older notation c.900dupA).
Protein change: p.Gly301fs; shifts the reading frame from glycine 301.
Molecular consequence: frameshift variant.
Genome position (GRCh38, 1-based): chr3:146,088,691, T duplicated on the plus strand (A on the coding strand, the reverse complement: PLOD2 is on the minus strand). VCF-style (leftmost placement, unchanged base first): chr3-146088690-C-CT. GRCh37 (hg19) VCF-style: chr3-145806477-C-CT.
Other names: c.900dup, p.Gly301fs (NM_000935.3); short protein forms G301fs.
Identifiers: ClinVar variation 3775580 (VCV003775580.1).
Genomic context (GRCh38, chr3:146,088,690, plus strand): 5'-GTGTCAACAATATGTCCAGAAACCGAGGTAGAAAAGGGGTTGGTTGCTCAATAAAAACAC[C>CT]TATTGATACGTTTGGATGGACCTTTGTTTTACACCAAACATAAAAATAAAATTATCATTA-3'